The following is an entry in ClinVar:

ClinVar aggregate classification (germline): Uncertain significance. Review status: criteria provided, multiple submitters, no conflicts (2 of 4 stars). 2 submissions from 2 submitters: Uncertain significance (2). Last evaluated 2025-04-08.

Conditions:
Inborn genetic diseases. Identifiers: MedGen C0950123, MeSH D030342.
Developmental and epileptic encephalopathy, 12 (DEE12). Identifiers: MedGen C3150988, MONDO:0013389, OMIM 613722.

Allele frequency attached by ClinVar (database versions not stated): gnomAD exomes below 0.00001.
gnomAD v4.1: 1 of 1,607,750 alleles (0.000062%); highest among the groups gnomAD compares: Non-Finnish European, 0.000085%; no homozygotes.

Submissions (2):

Ambry Genetics
Classification: Uncertain significance for Inborn genetic diseases. Last evaluated: 2025-04-08. Review status: criteria provided, single submitter. Criteria: Ambry Variant Classification Scheme 2023. Collection method: clinical testing. Allele origin: germline.

Labcorp Genetics (formerly Invitae), Labcorp
Classification: Uncertain significance for Developmental and epileptic encephalopathy, 12. Last evaluated: 2022-03-19. Review status: criteria provided, single submitter. Criteria: Invitae Variant Classification Sherloc (09022015). Collection method: clinical testing. Allele origin: germline.
Comment: In summary, the available evidence is currently insufficient to determine the role of this variant in disease. Therefore, it has been classified as a Variant of Uncertain Significance. Algorithms developed to predict the effect of sequence changes on RNA splicing suggest that this variant may create or strengthen a splice site. Algorithms developed to predict the effect of missense changes on protein structure and function (SIFT, PolyPhen-2, Align-GVGD) all suggest that this variant is likely to be tolerated. This variant has not been reported in the literature in individuals affected with PLCB1-related conditions. This variant is not present in population databases (gnomAD no frequency). This sequence change replaces alanine, which is neutral and non-polar, with valine, which is neutral and non-polar, at codon 890 of the PLCB1 protein (p.Ala890Val).

NM_015192.4(PLCB1):c.2669C>T (p.Ala890Val)

Gene: PLCB1 (phospholipase C beta 1; plus strand). Cytogenetic location: 20p12.3.
Variant type: single nucleotide variant.
Coding change: c.2669C>T on transcript NM_015192.4 (MANE Select); coding-DNA position 2669, C replaced by T.
Protein change: p.Ala890Val; replaces alanine 890 with valine.
Molecular consequence: missense variant.
Genome position (GRCh38, 1-based): chr20:8,760,419, C>T. VCF-style: chr20-8760419-C-T. GRCh37 (hg19) VCF-style: chr20-8741066-C-T.
Other names: c.2669C>T, p.Ala890Val (NM_182734.3); c.2669C>T (NM_015192.2); short protein forms A890V.
Identifiers: ClinVar variation 1383290 (VCV001383290.9), dbSNP rs2123572097, ClinGen allele CA408207965.